The following is an entry in ClinVar:

NM_007074.4(CORO1A):c.1204C>T (p.Arg402Trp)

Gene: CORO1A (coronin 1A; plus strand). Cytogenetic location: 16p11.2.
Variant type: single nucleotide variant.
Coding change: c.1204C>T on transcript NM_007074.4 (MANE Select); coding-DNA position 1204, C replaced by T.
Protein change: p.Arg402Trp; replaces arginine 402 with tryptophan.
Molecular consequence: missense variant.
Genome position (GRCh38, 1-based): chr16:30,188,499, C>T. VCF-style: chr16-30188499-C-T. GRCh37 (hg19) VCF-style: chr16-30199820-C-T.
Other names: c.1204C>T, p.Arg402Trp (NM_001193333.3); short protein forms R402W.
Identifiers: ClinVar variation 541421 (VCV000541421.6), dbSNP rs150186033, ClinGen allele CA8003421.

ClinVar aggregate classification (germline): Uncertain significance (1 of 4 stars; one submission).

Conditions:
Severe combined immunodeficiency due to CORO1A deficiency. Also called: IMMUNODEFICIENCY 8 WITH LYMPHOPROLIFERATION; Immunodeficiency 8. Identifiers: Orphanet 228003, MedGen C3809383, MONDO:0014168, OMIM 615401.

Allele frequency attached by ClinVar (database versions not stated): TOPMed 0.00018; ESP Exome Variant Server 0.00031.

Submission:

Labcorp Genetics (formerly Invitae), Labcorp
Classification: Uncertain significance for Severe combined immunodeficiency due to CORO1A deficiency. Last evaluated: 2024-10-21. Review status: criteria provided, single submitter. Criteria: Invitae Variant Classification Sherloc (09022015). Collection method: clinical testing. Allele origin: germline.
Comment: This sequence change replaces arginine, which is basic and polar, with tryptophan, which is neutral and slightly polar, at codon 402 of the CORO1A protein (p.Arg402Trp). This variant is present in population databases (rs150186033, gnomAD 0.01%). This variant has not been reported in the literature in individuals affected with CORO1A-related conditions. ClinVar contains an entry for this variant (Variation ID: 541421). Invitae Evidence Modeling of protein sequence and biophysical properties (such as structural, functional, and spatial information, amino acid conservation, physicochemical variation, residue mobility, and thermodynamic stability) has been performed for this missense variant. However, the output from this modeling did not meet the statistical confidence thresholds required to predict the impact of this variant on CORO1A protein function. In summary, the available evidence is currently insufficient to determine the role of this variant in disease. Therefore, it has been classified as a Variant of Uncertain Significance.